The following is an entry in ClinVar:

ClinVar aggregate classification (germline): Uncertain significance (1 of 4 stars; one submission).

Submission:

GeneDx
Classification: Uncertain significance. Last evaluated: 2022-12-10. Review status: criteria provided, single submitter. Criteria: GeneDx Variant Classification Process June 2021. Collection method: clinical testing. Allele origin: germline. Affected: yes.
Comment: Not observed at significant frequency in large population cohorts (gnomAD); Missense variants in this gene are often considered pathogenic (HGMD); In silico analysis supports that this missense variant does not alter protein structure/function; Has not been previously published as pathogenic or benign to our knowledge; This variant is associated with the following publications: (PMID: 29493581)

NM_004985.5(KRAS):c.106A>G (p.Ile36Val)

Gene: KRAS (KRAS proto-oncogene, GTPase; minus strand). Cytogenetic location: 12p12.1.
Variant type: single nucleotide variant.
Coding change: c.106A>G on transcript NM_004985.5 (MANE Select); coding-DNA position 106, A replaced by G.
Protein change: p.Ile36Val; replaces isoleucine 36 with valine.
Molecular consequence: missense variant.
Genome position (GRCh38, 1-based): chr12:25,245,279, T>C on the plus strand (A>G on the coding strand, the complement: KRAS is on the minus strand). VCF-style: chr12-25245279-T-C. GRCh37 (hg19) VCF-style: chr12-25398213-T-C.
Other names: c.106A>G, p.Ile36Val (NM_001369786.1, NM_001369787.1, NM_033360.4); short protein forms I36V.
Identifiers: ClinVar variation 2505054 (VCV002505054.1), dbSNP rs2135805722, ClinGen allele CA384157222.
Genomic context (GRCh38, chr12:25,245,279, plus strand): 5'-TCTGTATCAAAGAATGGTCCTGCACCAGTAATATGCATATTAAAACAAGATTTACCTCTA[T>C]TGTTGGATCATATTCGTCCACAAAATGATTCTGAATTAGCTGTATCGTCAAGGCACTCTT-3'
Protein context (NP_004976.2, residues 26-46): NHFVDEYDPT[Ile36Val]EDSYRKQVVI